The following is an entry in ClinVar:

NM_000059.4(BRCA2):c.9213G>T (p.Glu3071Asp)

Gene: BRCA2 (BRCA2 DNA repair associated; plus strand). Cytogenetic location: 13q13.1.
Variant type: single nucleotide variant.
Coding change: c.9213G>T on transcript NM_000059.4 (MANE Select); coding-DNA position 9213, G replaced by T.
Protein change: p.Glu3071Asp; replaces glutamic acid 3071 with aspartic acid.
Molecular consequence: missense variant.
Genome position (GRCh38, 1-based): chr13:32,380,102, G>T. VCF-style: chr13-32380102-G-T. GRCh37 (hg19) VCF-style: chr13-32954239-G-T.
Other names: short protein forms E3071D.
Identifiers: ClinVar variation 52777 (VCV000052777.20), dbSNP rs80359184, ClinGen allele CA026035.

ClinVar aggregate classification (germline): Conflicting classifications of pathogenicity. Review status: criteria provided, conflicting classifications (1 of 4 stars). 6 submissions from 6 submitters: Uncertain significance (3); Likely benign (2). 1 of the submissions does not count toward it. Last evaluated 2025-08-07.

Conditions:
Hereditary breast ovarian cancer syndrome. Also called: Hereditary breast and ovarian cancer syndrome; Hereditary breast and ovarian cancer; Hereditary breast and ovarian cancer syndrome (HBOC); Breast and ovarian cancer; Hereditary breast and/or ovarian cancer syndrome; BRCA1- and BRCA2-Associated Hereditary Breast and Ovarian Cancer. Identifiers: Orphanet 145, MedGen C0677776, MeSH D061325, MONDO:0003582. Disease mechanism: loss of function.
Hereditary cancer-predisposing syndrome. Also called: Neoplastic Syndromes, Hereditary; Tumor predisposition; Hereditary neoplastic syndrome; Hereditary Cancer Syndrome. Identifiers: Orphanet 140162, MedGen C0027672, MeSH D009386, MONDO:0015356.
Breast-ovarian cancer, familial, susceptibility to, 2 (BROVCA2). Also called: BRCA2 Hereditary Breast and Ovarian Cancer. Identifiers: Orphanet 145, MedGen C2675520, MONDO:0012933, OMIM 612555. Disease mechanism: loss of function.

Allele frequency attached by ClinVar (database versions not stated): gnomAD exomes below 0.00001.

Submissions (6):

Labcorp Genetics (formerly Invitae), Labcorp
Classification: Uncertain significance for Hereditary breast ovarian cancer syndrome. Last evaluated: 2025-08-07. Review status: criteria provided, single submitter. Criteria: Invitae Variant Classification Sherloc (09022015). Collection method: clinical testing. Allele origin: germline.
Comment: This sequence change replaces glutamic acid, which is acidic and polar, with aspartic acid, which is acidic and polar, at codon 3071 of the BRCA2 protein (p.Glu3071Asp). This variant is present in population databases (rs80359184, gnomAD 0.0009%). This variant has not been reported in the literature in individuals affected with BRCA2-related conditions. ClinVar contains an entry for this variant (Variation ID: 52777). Invitae Evidence Modeling incorporating data from in vitro experimental studies (PMID: 33609447) indicates that this missense variant is not expected to disrupt BRCA2 function with a negative predictive value of 95%. Experimental studies have shown that this missense change does not substantially affect BRCA2 function (PMID: 29394989). In summary, the available evidence is currently insufficient to determine the role of this variant in disease. Therefore, it has been classified as a Variant of Uncertain Significance.

All of Us Research Program, National Institutes of Health
Classification: Uncertain significance for Breast-ovarian cancer, familial, susceptibility to, 2. Last evaluated: 2023-08-08. Review status: criteria provided, single submitter. Criteria: ACMG Guidelines, 2015. Collection method: clinical testing. Allele origin: germline. Inheritance: Autosomal dominant inheritance. Observed: 1 variant allele, 1 heterozygote.
Comment: This missense variant replaces glutamic acid with aspartic acid at codon 3071 of the BRCA2 protein. Computational prediction is inconclusive regarding the impact of this variant on protein structure and function (internally defined REVEL score threshold 0.5 < inconclusive < 0.7, PMID: 27666373). Functional studies have shown that this variant retains homology-directed DNA repair function (PMID: 29394989, 35736817). To our knowledge, this variant has not been reported in individuals affected with hereditary cancer in the literature. This variant has been identified in 1/251260 chromosomes in the general population by the Genome Aggregation Database (gnomAD). The available evidence is insufficient to determine the role of this variant in disease conclusively. Therefore, this variant is classified as a Variant of Uncertain Significance.

This study involves interpretation of variants in research participants for the purpose of population health screening. Participant phenotype was not available at the time of variant classification. Additional details can be found in publication PMID: 35346344, PMCID: PMC8962531

Color Diagnostics, LLC DBA Color Health
Classification: Uncertain significance for Hereditary cancer-predisposing syndrome. Last evaluated: 2023-01-23. Review status: criteria provided, single submitter. Criteria: ACMG Guidelines, 2015. Collection method: clinical testing. Allele origin: germline.
Comment: This missense variant replaces glutamic acid with aspartic acid at codon 3071 of the BRCA2 protein. Computational prediction is inconclusive regarding the impact of this variant on protein structure and function (internally defined REVEL score threshold 0.5 < inconclusive < 0.7, PMID: 27666373). Functional studies have shown that this variant retains homology-directed DNA repair function (PMID: 29394989, 35736817). To our knowledge, this variant has not been reported in individuals affected with hereditary cancer in the literature. This variant has been identified in 1/251260 chromosomes in the general population by the Genome Aggregation Database (gnomAD). The available evidence is insufficient to determine the role of this variant in disease conclusively. Therefore, this variant is classified as a Variant of Uncertain Significance.

Ambry Genetics
Classification: Likely benign for Hereditary cancer-predisposing syndrome. Last evaluated: 2020-03-04. Review status: criteria provided, single submitter. Criteria: Ambry Variant Classification Scheme 2023. Collection method: clinical testing. Allele origin: germline.

GeneDx
Classification: Likely benign. Last evaluated: 2019-08-07. Review status: criteria provided, single submitter. Criteria: GeneDx Variant Classification Process June 2021. Collection method: clinical testing. Allele origin: germline. Affected: yes.
Comment: This variant is associated with the following publications: (PMID: 20507642, 29394989, 29884841)

Breast Cancer Information Core (BIC) (BRCA2)
Classification: Uncertain significance for Breast-ovarian cancer, familial 2. Last evaluated: 2003-12-23. Review status: no assertion criteria provided. Collection method: clinical testing. Allele origin: germline. Affected: yes. Observed: 1 variant allele. Not counted in ClinVar's aggregate classification.

Literature cited by the submitters: PubMed 33609447 (cited by Labcorp Genetics (formerly Invitae), Labcorp); PubMed 29394989 (cited by 4 submitters); PubMed 35736817 (cited by All of Us Research Program, National Institutes of Health and Color Diagnostics, LLC DBA Color Health); PubMed 17899372 (cited by Ambry Genetics); PubMed 19043619 (cited by Ambry Genetics); PubMed 20507642 (cited by Ambry Genetics).